The following is an entry in ClinVar:

ClinVar aggregate classification (germline): Uncertain significance (1 of 4 stars; one submission).

Submission:

Labcorp Genetics (formerly Invitae), Labcorp
Classification: Uncertain significance. Last evaluated: 2026-01-05. Review status: criteria provided, single submitter. Criteria: Invitae Variant Classification Sherloc (09022015). Collection method: clinical testing. Allele origin: germline.
Comment: This sequence change replaces serine, which is neutral and polar, with tyrosine, which is neutral and polar, at codon 253 of the TMC1 protein (p.Ser253Tyr). This variant is not present in population databases (gnomAD no frequency). This variant has not been reported in the literature in individuals affected with TMC1-related conditions. ClinVar contains an entry for this variant (Variation ID: 3635816). Invitae Evidence Modeling of protein sequence and biophysical properties (such as structural, functional, and spatial information, amino acid conservation, physicochemical variation, residue mobility, and thermodynamic stability) has been performed for this missense variant. However, the output from this modeling did not meet the statistical confidence thresholds required to predict the impact of this variant on TMC1 protein function. In summary, the available evidence is currently insufficient to determine the role of this variant in disease. Therefore, it has been classified as a Variant of Uncertain Significance.

NM_138691.3(TMC1):c.758C>A (p.Ser253Tyr)

Gene: TMC1 (transmembrane channel like 1; plus strand). Cytogenetic location: 9q21.13.
Variant type: single nucleotide variant.
Coding change: c.758C>A on transcript NM_138691.3 (MANE Select); coding-DNA position 758, C replaced by A.
Protein change: p.Ser253Tyr; replaces serine 253 with tyrosine.
Molecular consequence: missense variant.
Genome position (GRCh38, 1-based): chr9:72,772,429, C>A. VCF-style: chr9-72772429-C-A. GRCh37 (hg19) VCF-style: chr9-75387345-C-A.
Other names: short protein forms S253Y.
Identifiers: ClinVar variation 3635816 (VCV003635816.2).